The following is an entry in ClinVar:

NM_006734.4(HIVEP2):c.5711A>T (p.Asp1904Val)

Gene: HIVEP2 (HIVEP zinc finger 2; minus strand). Cytogenetic location: 6q24.2.
Variant type: single nucleotide variant.
Coding change: c.5711A>T on transcript NM_006734.4 (MANE Select); coding-DNA position 5711, A replaced by T.
Protein change: p.Asp1904Val; replaces aspartic acid 1904 with valine.
Molecular consequence: missense variant.
Genome position (GRCh38, 1-based): chr6:142,760,577, T>A on the plus strand (A>T on the coding strand, the complement: HIVEP2 is on the minus strand). VCF-style: chr6-142760577-T-A. GRCh37 (hg19) VCF-style: chr6-143081714-T-A.
Other names: short protein forms D1904V.
Identifiers: ClinVar variation 1695818 (VCV001695818.2), dbSNP rs2114612008, ClinGen allele CA365888953.

ClinVar aggregate classification (germline): Uncertain significance (1 of 4 stars; one submission).

gnomAD v4.1: 1 of 1,613,516 alleles (0.000062%); highest among the groups gnomAD compares: Non-Finnish European, 0.000085%; no homozygotes.

Submission:

GeneDx
Classification: Uncertain significance. Last evaluated: 2022-01-06. Review status: criteria provided, single submitter. Criteria: GeneDx Variant Classification Process June 2021. Collection method: clinical testing. Allele origin: germline. Affected: yes.
Comment: Not observed at significant frequency in large population cohorts (gnomAD); In silico analysis supports that this missense variant has a deleterious effect on protein structure/function; Has not been previously published as pathogenic or benign to our knowledge